The following is an entry in ClinVar:

ClinVar aggregate classification (germline): Likely pathogenic (1 of 4 stars; one submission).

Conditions:
Microcephaly, normal intelligence and immunodeficiency (NBS). Also called: Nijmegen breakage syndrome; IMMUNODEFICIENCY, MICROCEPHALY, AND CHROMOSOMAL INSTABILITY; Immunodeficiency, microcephaly with normal intelligence; Microcephaly with normal intelligence immunodeficiency and lymphoreticular malignancies; Nonsyndromal microcephaly autosomal recessive with normal intelligence; Seemanova syndrome 2. Identifiers: Orphanet 647, MedGen C0398791, MONDO:0009623, OMIM 251260.

Submission:

Labcorp Genetics (formerly Invitae), Labcorp
Classification: Likely pathogenic for Microcephaly, normal intelligence and immunodeficiency. Last evaluated: 2019-08-07. Review status: criteria provided, single submitter. Criteria: Invitae Variant Classification Sherloc (09022015). Collection method: clinical testing. Allele origin: germline.
Comment: This sequence change affects an acceptor splice site in intron 8 of the NBN gene. It is expected to disrupt RNA splicing and likely results in an absent or disrupted protein product. This variant is not present in population databases (ExAC no frequency). This variant has not been reported in the literature in individuals with NBN-related conditions. Algorithms developed to predict the effect of sequence changes on RNA splicing suggest that this variant may disrupt the consensus splice site, but this prediction has not been confirmed by published transcriptional studies. Donor and acceptor splice site variants typically lead to a loss of protein function (PMID: 16199547), and loss-of-function variants in NBN are known to be pathogenic (PMID: 9590180, 16415040). In summary, the currently available evidence indicates that the variant is pathogenic, but additional data are needed to prove that conclusively. Therefore, this variant has been classified as Likely Pathogenic.

Literature cited by the submitters: PubMed 16199547; PubMed 9590180; PubMed 16415040.

NM_002485.5(NBN):c.995-1G>T

Gene: NBN (nibrin; minus strand). Cytogenetic location: 8q21.3.
Variant type: single nucleotide variant.
Coding change: c.995-1G>T on transcript NM_002485.5 (MANE Select); the canonical splice acceptor site of the intron before coding-DNA position 995, G replaced by T.
Molecular consequence: splice acceptor variant.
Genome position (GRCh38, 1-based): chr8:89,958,855, C>A on the plus strand (G>T on the coding strand, the complement: NBN is on the minus strand). VCF-style: chr8-89958855-C-A. GRCh37 (hg19) VCF-style: chr8-90971083-C-A.
Other names: c.749-1G>T (NM_001024688.3).
Identifiers: ClinVar variation 943977 (VCV000943977.8), dbSNP rs1554560523, ClinGen allele CA371656825.
Genomic context (GRCh38, chr8:89,958,855, plus strand): 5'-GTTTTTCATCAACTGACACGCCTTGTGAAAGGCTTGGTCCTGGAGTTGTTGTCTTTAATC[C>A]TGTAAATCACACAAGTAGAAAGAAAGAATCACAACTGCTAGATAGAAGATGAACATCTGG-3'